The following is an entry in ClinVar:

ClinVar aggregate classification (germline): Benign. Review status: criteria provided, multiple submitters, no conflicts (2 of 4 stars). 4 submissions from 4 submitters: Benign (3). 1 of the submissions does not count toward it. Last evaluated 2024-11-26.

Conditions:
CERT1-related disorder. Also called: CERT1-related condition.

Allele frequency attached by ClinVar (database versions not stated): TOPMed 0.22664; ESP Exome Variant Server 0.22669; gnomAD exomes 0.22682 and 0.24001; gnomAD 0.22791 and 0.23460; ExAC 0.27593; 1000 Genomes Project 30x 0.28014; 1000 Genomes Project 0.28974.
gnomAD v4.1: 361,237 of 1,586,116 alleles (23%); highest among the groups gnomAD compares: South Asian, 42%; 43,931 homozygotes.

Submissions (4):

Blueprint Genetics
Classification: Benign. Last evaluated: 2024-11-26. Review status: criteria provided, single submitter. Criteria: ACMG Guidelines, 2015. Collection method: clinical testing. Allele origin: germline.

GeneDx
Classification: Benign. Last evaluated: 2019-01-08. Review status: criteria provided, single submitter. Criteria: GeneDx Variant Classification Process June 2021. Collection method: clinical testing. Allele origin: germline. Affected: yes.

Breakthrough Genomics
Classification: Benign. Review status: criteria provided, single submitter. Criteria: ACMG Guidelines, 2015. Collection method: not provided. Allele origin: germline. Inheritance: Autosomal dominant inheritance. Affected: yes.

PreventionGenetics, part of Exact Sciences
Classification: Benign for CERT1-related condition. Last evaluated: 2019-10-21. Review status: no assertion criteria provided. Collection method: clinical testing. Allele origin: germline. Not counted in ClinVar's aggregate classification.
Comment: This variant is classified as benign based on ACMG/AMP sequence variant interpretation guidelines (Richards et al. 2015 PMID: 25741868, with internal and published modifications).

NM_001379029.1(CERT1):c.1371A>G (p.Glu457=)

Gene: CERT1 (ceramide transporter 1; minus strand). Cytogenetic location: 5q13.3.
Variant type: single nucleotide variant.
Coding change: c.1371A>G on transcript NM_001379029.1 (MANE Select); coding-DNA position 1371, A replaced by G.
Protein change: p.Glu457=; no amino-acid change (glutamic acid 457 retained).
Molecular consequence: synonymous variant.
Genome position (GRCh38, 1-based): chr5:75,385,948, T>C on the plus strand (A>G on the coding strand, the complement: CERT1 is on the minus strand). VCF-style: chr5-75385948-T-C. GRCh37 (hg19) VCF-style: chr5-74681773-T-C.
Other names: c.1755A>G, p.Glu585= (NM_001130105.1); c.1371A>G, p.Glu457= (NM_001379002.1, NM_005713.3); c.1293A>G, p.Glu431= (NM_001379003.1, NM_001379004.1, NM_031361.3).
Identifiers: ClinVar variation 1275144 (VCV001275144.5), dbSNP rs698912, ClinGen allele CA3309044.